The following is an entry in ClinVar:

ClinVar aggregate classification (germline): Pathogenic. Review status: criteria provided, multiple submitters, no conflicts (2 of 4 stars). 5 submissions from 5 submitters: Pathogenic (5). Last evaluated 2024-01-08.

Conditions:
ACP5-related disorder. Also called: ACP5-related condition.
Spondyloenchondrodysplasia with immune dysregulation (SPENCDI). Also called: ROIFMAN IMMUNOSKELETAL SYNDROME; SPONDYLOENCHONDRODYSPLASIA WITH OR WITHOUT IMMUNE DYSREGULATION; COMBINED IMMUNODEFICIENCY WITH AUTOIMMUNITY AND SPONDYLOMETAPHYSEAL DYSPLASIA. Identifiers: Orphanet 1855, MedGen C1842763, MONDO:0011939, OMIM 607944.

Allele frequency attached by ClinVar (database versions not stated): gnomAD exomes below 0.00001; gnomAD 0.00001; TOPMed 0.00001.
gnomAD v4.1: 6 of 1,613,980 alleles (0.00037%); highest among the groups gnomAD compares: Non-Finnish European, 0.00051%; no homozygotes.

Submissions (5):

Labcorp Genetics (formerly Invitae), Labcorp
Classification: Pathogenic for Spondyloenchondrodysplasia with immune dysregulation. Last evaluated: 2024-01-08. Review status: criteria provided, single submitter. Criteria: Invitae Variant Classification Sherloc (09022015). Collection method: clinical testing. Allele origin: germline.
Comment: This sequence change creates a premature translational stop signal (p.Tyr123*) in the ACP5 gene. It is expected to result in an absent or disrupted protein product. Loss-of-function variants in ACP5 are known to be pathogenic (PMID: 21217752, 21217755). This variant is not present in population databases (gnomAD no frequency). This premature translational stop signal has been observed in individual(s) with spondyloenchondrodysplasia with immune dysregulation (PMID: 21217755, 27943079). ClinVar contains an entry for this variant (Variation ID: 871676). Algorithms developed to predict the effect of sequence changes on RNA splicing suggest that this variant may disrupt the consensus splice site. For these reasons, this variant has been classified as Pathogenic.

GeneDx
Classification: Pathogenic. Last evaluated: 2023-10-15. Review status: criteria provided, single submitter. Criteria: GeneDx Variant Classification Process June 2021. Collection method: clinical testing. Allele origin: germline. Affected: yes.
Comment: Nonsense variant predicted to result in protein truncation or nonsense mediated decay in a gene for which loss of function is a known mechanism of disease; Not observed at significant frequency in large population cohorts (gnomAD); This variant is associated with the following publications: (PMID: 25525159, 26951490, 21217752, 35633950, 21217755, 27943079)

Revvity Omics, Revvity
Classification: Pathogenic for Spondyloenchondrodysplasia with immune dysregulation. Last evaluated: 2022-03-16. Review status: criteria provided, single submitter. Criteria: ACMG Guidelines, 2015. Collection method: clinical testing. Allele origin: germline.

Blueprint Genetics
Classification: Pathogenic for ACP5-related disorders. Last evaluated: 2020-01-13. Review status: criteria provided, single submitter. Criteria: ACMG Guidelines, 2015. Collection method: clinical testing. Allele origin: germline. Affected: yes. Observed: 1 variant allele.

CeGaT Center for Human Genetics Tuebingen
Classification: Pathogenic. Last evaluated: 2018-09-01. Review status: criteria provided, single submitter. Criteria: CeGaT Center For Human Genetics Tuebingen Variant Classification Criteria Version 2. Collection method: clinical testing. Allele origin: germline. Affected: yes. Observed: 1 variant allele.

Literature cited by the submitters: PubMed 21217752 (cited by Labcorp Genetics (formerly Invitae), Labcorp); PubMed 21217755 (cited by Labcorp Genetics (formerly Invitae), Labcorp); PubMed 27943079 (cited by Labcorp Genetics (formerly Invitae), Labcorp).

NM_001611.5(ACP5):c.369C>A (p.Tyr123Ter)

Gene: ACP5 (acid phosphatase 5, tartrate resistant; minus strand). Cytogenetic location: 19p13.2.
Variant type: single nucleotide variant.
Coding change: c.369C>A on transcript NM_001611.5 (MANE Select); coding-DNA position 369, C replaced by A.
Protein change: p.Tyr123Ter; replaces tyrosine 123 with a stop codon.
Molecular consequence: nonsense.
Genome position (GRCh38, 1-based): chr19:11,576,736, G>T on the plus strand (C>A on the coding strand, the complement: ACP5 is on the minus strand). VCF-style: chr19-11576736-G-T. GRCh37 (hg19) VCF-style: chr19-11687551-G-T.
Other names: c.369C>A, p.Tyr123Ter (NM_001111034.3, NM_001111035.3, NM_001111036.3 and 1 more transcripts); c.369C>A (NM_001111035.1); short protein forms Y123*.
Identifiers: ClinVar variation 871676 (VCV000871676.52), dbSNP rs747619825, ClinGen allele CA305359172.